The following is an entry in ClinVar:

ClinVar aggregate classification (germline): Pathogenic (1 of 4 stars; one submission).

Conditions:
Myopathy caused by variation in FKTN. Identifiers: MedGen CN305638, MONDO:0700067.

Submission:

Myriad Genetics, Inc.
Classification: Pathogenic for Myopathy caused by variation in FKTN. Last evaluated: 2024-03-25. Review status: criteria provided, single submitter. Criteria: Myriad Autosomal Dominant, Autosomal Recessive and X-Linked Classification Criteria (2023). Collection method: clinical testing. Allele origin: unknown.
Comment: NM_001079802.1(FKTN):c.778C>T(Q260*) is expected to be pathogenic in the context of FKTN-related disorders. This variant is predicted to lead to an abnormal or absent protein product due to the creation of a premature termination codon in FKTN, a gene where loss-of-function variants are known to be pathogenic. Please note: this variant was assessed in the context of healthy population screening.

NM_001079802.2(FKTN):c.778C>T (p.Gln260Ter)

Gene: FKTN (fukutin; plus strand). Cytogenetic location: 9q31.2.
Variant type: single nucleotide variant.
Coding change: c.778C>T on transcript NM_001079802.2 (MANE Select); coding-DNA position 778, C replaced by T.
Protein change: p.Gln260Ter; replaces glutamine 260 with a stop codon.
Molecular consequence: nonsense. On other transcripts: non-coding transcript variant (2).
Genome position (GRCh38, 1-based): chr9:105,607,949, C>T. VCF-style: chr9-105607949-C-T. GRCh37 (hg19) VCF-style: chr9-108370230-C-T.
Other names: c.778C>T, p.Gln260Ter (NM_001198963.2, NM_001351496.2, NM_001351498.2 and 1 more transcripts); c.709C>T, p.Gln237Ter (NM_001351497.2); c.382C>T, p.Gln128Ter (NM_001351499.2, NM_001351500.2, NM_001351501.2 and 1 more transcripts); short protein forms Q128*, Q237*, Q260*.
Identifiers: ClinVar variation 5010476 (VCV005010476.1).
Genomic context (GRCh38, chr9:105,607,949, plus strand): 5'-GAAGAAGTACCACACTCTAGGTTTATTGAGTGTAGGTATAAAGAAGCTCGAGCATTCTTT[C>T]AGGTTAGAGACAACCAAATGTGTACTTTTAAATTAAAGAAAATGTTGGGATTATTTTTAA-3'